The following is an entry in ClinVar:

NM_014874.4(MFN2):c.1598T>C (p.Leu533Pro)

Gene: MFN2 (mitofusin 2; plus strand). Cytogenetic location: 1p36.22.
Variant type: single nucleotide variant.
Coding change: c.1598T>C on transcript NM_014874.4 (MANE Select); coding-DNA position 1598, T replaced by C.
Protein change: p.Leu533Pro; replaces leucine 533 with proline.
Molecular consequence: missense variant.
Genome position (GRCh38, 1-based): chr1:12,005,813, T>C. VCF-style: chr1-12005813-T-C. GRCh37 (hg19) VCF-style: chr1-12065870-T-C.
Other names: c.1598T>C, p.Leu533Pro (NM_001127660.2); short protein forms L533P.
Identifiers: ClinVar variation 2282373 (VCV002282373.5), dbSNP rs1639382803, ClinGen allele CA338448036.
Genomic context (GRCh38, chr1:12,005,813, plus strand): 5'-TAGACATGCTGGTCCCACGCCAGTGCTTCTCCCTCAACTATGACCTAAACTGTGACAAGC[T>C]GTGTGCTGACTTCCAGGAAGACATTGAGTTCCATTTCTCTCTCGGATGGACCATGCTGGT-3'
Protein context (NP_055689.1, residues 523-543): SLNYDLNCDK[Leu533Pro]CADFQEDIEF

ClinVar aggregate classification (germline): Uncertain significance. Review status: criteria provided, multiple submitters, no conflicts (2 of 4 stars). 2 submissions from 2 submitters: Uncertain significance (2). Last evaluated 2025-12-23.

Conditions:
Charcot-Marie-Tooth disease type 2. Also called: Charcot-Marie-Tooth type 2. Identifiers: Orphanet 64746, MedGen C0270914, MONDO:0018993.
Inborn genetic diseases. Identifiers: MedGen C0950123, MeSH D030342.

Allele frequency attached by ClinVar (database versions not stated): gnomAD exomes below 0.00001.
gnomAD v4.1: 1 of 1,614,222 alleles (0.000062%); highest among the groups gnomAD compares: Non-Finnish European, 0.000085%; no homozygotes.

Submissions (2):

Labcorp Genetics (formerly Invitae), Labcorp
Classification: Uncertain significance for Charcot-Marie-Tooth disease type 2. Last evaluated: 2025-12-23. Review status: criteria provided, single submitter. Criteria: Invitae Variant Classification Sherloc (09022015). Collection method: clinical testing. Allele origin: germline.
Comment: This sequence change replaces leucine, which is neutral and non-polar, with proline, which is neutral and non-polar, at codon 533 of the MFN2 protein (p.Leu533Pro). This variant is not present in population databases (gnomAD no frequency). This variant has not been reported in the literature in individuals affected with MFN2-related conditions. ClinVar contains an entry for this variant (Variation ID: 2282373). Invitae Evidence Modeling of protein sequence and biophysical properties (such as structural, functional, and spatial information, amino acid conservation, physicochemical variation, residue mobility, and thermodynamic stability) indicates that this missense variant is expected to disrupt MFN2 protein function with a positive predictive value of 95%. In summary, the available evidence is currently insufficient to determine the role of this variant in disease. Therefore, it has been classified as a Variant of Uncertain Significance.

Ambry Genetics
Classification: Uncertain significance for Inborn genetic diseases. Last evaluated: 2022-04-07. Review status: criteria provided, single submitter. Criteria: Ambry Variant Classification Scheme 2023. Collection method: clinical testing. Allele origin: germline.